The following is an entry in ClinVar:

NM_001267550.2(TTN):c.88852_88855del (p.Glu29618fs)

Genes: TTN (titin; minus strand), TTN-AS1 (TTN antisense RNA 1; plus strand). Cytogenetic location: 2q31.2.
Variant type: Deletion.
Coding change: c.88852_88855del on transcript NM_001267550.2 (MANE Select); coding-DNA positions 88852 to 88855, 4 bases deleted (GAGC; older notation c.88852_88855delGAGC).
Protein change: p.Glu29618fs; shifts the reading frame from glutamic acid 29618.
Molecular consequence: frameshift variant.
Genome position (GRCh38, 1-based): chr2:178,554,492-178,554,495, GCTC deleted on the plus strand (GAGC on the coding strand, the reverse complement: TTN is on the minus strand); deleting any 4 consecutive bases within chr2:178,554,492-178,554,497 gives the same sequence; the c. name uses the placement nearest the transcript's 3' end. VCF-style (leftmost placement, unchanged base first): chr2-178554491-GGCTC-G. GRCh37 (hg19) VCF-style: chr2-179419218-GGCTC-G.
Other names: c.61657_61660delGAGC (NM_003319.4); c.83929_83932del, p.Glu27977fs (NM_001256850.1); c.61657_61660del, p.Glu20553fs (NM_003319.4); c.81148_81151del, p.Glu27050fs (NM_133378.4); c.62032_62035del, p.Glu20678fs (NM_133432.3); c.62233_62236del, p.Glu20745fs (NM_133437.4); short protein forms E20553fs, E20678fs, E20745fs, E27050fs, E27977fs, E29618fs.
Identifiers: ClinVar variation 1066242 (VCV001066242.11), dbSNP rs2154152955, ClinGen allele CA2499215324.

ClinVar aggregate classification (germline): Likely pathogenic. Review status: criteria provided, multiple submitters, no conflicts (2 of 4 stars). 2 submissions from 2 submitters: Likely pathogenic (2). Last evaluated 2022-10-17.

Conditions:
Cardiovascular phenotype. Identifiers: MedGen CN230736.
Dilated cardiomyopathy 1G (CMD1G). Identifiers: Orphanet 154, MedGen C1858763, MONDO:0011400, OMIM 604145.
Autosomal recessive limb-girdle muscular dystrophy type 2J (LGMDR10). Also called: Limb-girdle muscular dystrophy, type 2J; MUSCULAR DYSTROPHY, LIMB-GIRDLE, AUTOSOMAL RECESSIVE 10. Identifiers: Orphanet 140922, MedGen C1837342, MONDO:0012127, OMIM 608807.

Submissions (2):

Labcorp Genetics (formerly Invitae), Labcorp
Classification: Likely pathogenic for Dilated cardiomyopathy 1G; Autosomal recessive limb-girdle muscular dystrophy type 2J. Last evaluated: 2022-10-17. Review status: criteria provided, single submitter. Criteria: Invitae Variant Classification Sherloc (09022015). Collection method: clinical testing. Allele origin: germline.
Comment: In summary, the currently available evidence indicates that the variant is pathogenic, but additional data are needed to prove that conclusively. Therefore, this variant has been classified as Likely Pathogenic. This variant is located in the A band of TTN (PMID: 25589632). Truncating variants in this region are significantly overrepresented in patients affected with dilated cardiomyopathy (PMID: 25589632). Truncating variants in this region have also been reported in individuals affected with autosomal recessive centronuclear myopathy (PMID: 23975875). ClinVar contains an entry for this variant (Variation ID: 1066242). This variant has not been reported in the literature in individuals affected with TTN-related conditions. This variant is not present in population databases (gnomAD no frequency). This sequence change creates a premature translational stop signal (p.Glu29618Hisfs*8) in the TTN gene. While this is not anticipated to result in nonsense mediated decay, it is expected to create a truncated TTN protein.

Ambry Genetics
Classification: Likely pathogenic for Cardiovascular phenotype. Last evaluated: 2021-05-11. Review status: criteria provided, single submitter. Criteria: Ambry Variant Classification Scheme 2023. Collection method: clinical testing. Allele origin: germline.
Comment: The c.61657_61660delGAGC variant, located in coding exon 159 of the TTN gene, results from a deletion of 4 nucleotides at nucleotide positions 61657 to 61660, causing a translational frameshift with a predicted alternate stop codon (p.E20553Hfs*8). This variant is considered to be rare based on population cohorts in the Genome Aggregation Database (gnomAD). This exon is located in the A-band region of the N2-B isoform of the titin protein and is constitutively expressed in TTN transcripts (percent spliced in or PSI 100%). This alteration is expected to result in loss of function by premature protein truncation or nonsense-mediated mRNA decay. While truncating variants in TTN are present in 1-3% of the general population, truncating variants in the A-band are the most common cause of dilated cardiomyopathy (DCM) (Herman DS et al. N. Engl. J. Med., 2012 Feb;366:619-28; Roberts AM et al. Sci Transl Med, 2015 Jan;7:270ra6). TTN truncating variants encoded in constitutive exons (PSI >90%) have been found to be significantly associated with DCM regardless of their position in titin (Schafer S et al. Nat. Genet., 2017 01;49:46-53). As such, this alteration is classified as likely pathogenic.

Literature cited by the submitters: PubMed 25589632 (cited by Labcorp Genetics (formerly Invitae), Labcorp); PubMed 23975875 (cited by Labcorp Genetics (formerly Invitae), Labcorp).